The following is an entry in ClinVar:

ClinVar aggregate classification (germline): Likely benign (0 of 4 stars; one submission).

Conditions:
NCOA1-related disorder. Also called: NCOA1-related condition.

Allele frequency attached by ClinVar (database versions not stated): ESP Exome Variant Server 0.00008; 1000 Genomes Project 0.00060; 1000 Genomes Project 30x 0.00078.
gnomAD v4.1: 75 of 1,613,944 alleles (0.0046%); highest among the groups gnomAD compares: Middle Eastern, 0.017%; no homozygotes.

Submission:

PreventionGenetics, part of Exact Sciences
Classification: Likely benign for NCOA1-related condition. Last evaluated: 2021-05-20. Review status: no assertion criteria provided. Collection method: clinical testing. Allele origin: germline.
Comment: This variant is classified as likely benign based on ACMG/AMP sequence variant interpretation guidelines (Richards et al. 2015 PMID: 25741868, with internal and published modifications).

NM_003743.5(NCOA1):c.27C>T (p.Ser9=)

Gene: NCOA1 (nuclear receptor coactivator 1; plus strand). Cytogenetic location: 2p23.3.
Variant type: single nucleotide variant.
Coding change: c.27C>T on transcript NM_003743.5 (MANE Select); coding-DNA position 27, C replaced by T.
Protein change: p.Ser9=; no amino-acid change (serine 9 retained).
Molecular consequence: synonymous variant.
Genome position (GRCh38, 1-based): chr2:24,658,704, C>T. VCF-style: chr2-24658704-C-T. GRCh37 (hg19) VCF-style: chr2-24881573-C-T.
Other names: c.27C>T, p.Ser9= (NM_001362950.1, NM_001362952.1, NM_001362954.1 and 3 more transcripts).
Identifiers: ClinVar variation 3052454 (VCV003052454.2), dbSNP rs200358365, ClinGen allele CA1551916.